The following is an entry in ClinVar:

NM_000077.5(CDKN2A):c.434T>A (p.Ile145Lys)

Gene: CDKN2A (cyclin dependent kinase inhibitor 2A; minus strand). Cytogenetic location: 9p21.3.
Variant type: single nucleotide variant.
Coding change: c.434T>A on transcript NM_000077.5; coding-DNA position 434, T replaced by A.
Protein change: p.Ile145Lys; replaces isoleucine 145 with lysine.
Molecular consequence: missense variant (on NM_000077.6). On other transcripts: 3 prime UTR variant (2).
Genome position (GRCh38, 1-based): chr9:21,970,925, A>T on the plus strand (T>A on the coding strand, the complement: CDKN2A is on the minus strand). VCF-style: chr9-21970925-A-T. GRCh37 (hg19) VCF-style: chr9-21970924-A-T.
Other names: c.434T>A, p.Ile145Lys (NM_000077.6, NM_001195132.2); c.281T>A, p.Ile94Lys (NM_001363763.2); c.*78T>A (NM_058195.4); c.*357T>A (NM_058197.5); short protein forms I145K, I94K.
Identifiers: ClinVar variation 658624 (VCV000658624.8), dbSNP rs730881680, ClinGen allele CA373085849.

ClinVar aggregate classification (germline): Uncertain significance (1 of 4 stars; one submission).

Conditions:
Familial melanoma. Also called: Hereditary melanoma; Hereditary cutaneous melanoma. Identifiers: Orphanet 618, MedGen C1512419, MONDO:0018961.

Submission:

Labcorp Genetics (formerly Invitae), Labcorp
Classification: Uncertain significance for Familial melanoma. Last evaluated: 2022-06-09. Review status: criteria provided, single submitter. Criteria: Invitae Variant Classification Sherloc (09022015). Collection method: clinical testing. Allele origin: germline.
Comment: This sequence change replaces isoleucine, which is neutral and non-polar, with lysine, which is basic and polar, at codon 145 of the CDKN2A (p16INK4a) protein (p.Ile145Lys). This variant is not present in population databases (gnomAD no frequency). This variant has not been reported in the literature in individuals affected with CDKN2A (p16INK4a)-related conditions. ClinVar contains an entry for this variant (Variation ID: 658624). Algorithms developed to predict the effect of missense changes on protein structure and function (SIFT, PolyPhen-2, Align-GVGD) all suggest that this variant is likely to be tolerated. Experimental studies are conflicting or provide insufficient evidence to determine the effect of this variant on CDKN2A (p16INK4a) function (PMID: 8573142). In summary, the available evidence is currently insufficient to determine the role of this variant in disease. Therefore, it has been classified as a Variant of Uncertain Significance.

Literature cited by the submitters: PubMed 8573142.